The following is an entry in ClinVar:

ClinVar aggregate classification (germline): Likely benign. Review status: criteria provided, single submitter (1 of 4 stars). 2 submissions from 2 submitters: Likely benign (1). 1 of the submissions does not count toward it. Last evaluated 2025-07-01.

Conditions:
TBX3-related disorder. Also called: TBX3-related condition.
Ulnar-mammary syndrome (UMS). Also called: SCHINZEL SYNDROME; Ulnar-mammary syndrome of Pallister; PALLISTER ULNAR-MAMMARY SYNDROME. Identifiers: Orphanet 3138, MedGen C1866994, MONDO:0008411, OMIM 181450.

Allele frequency attached by ClinVar (database versions not stated): TOPMed 0.00005; ExAC 0.00006; gnomAD 0.00006; gnomAD exomes 0.00006.
gnomAD v4.1: 98 of 1,613,968 alleles (0.0061%); highest among the groups gnomAD compares: Admixed American, 0.0083%; no homozygotes.

Submissions (2):

Labcorp Genetics (formerly Invitae), Labcorp
Classification: Likely benign for Ulnar-mammary syndrome. Last evaluated: 2025-07-01. Review status: criteria provided, single submitter. Criteria: Invitae Variant Classification Sherloc (09022015). Collection method: clinical testing. Allele origin: germline.

PreventionGenetics, part of Exact Sciences
Classification: Likely benign for TBX3-related condition. Last evaluated: 2021-05-19. Review status: no assertion criteria provided. Collection method: clinical testing. Allele origin: germline. Not counted in ClinVar's aggregate classification.
Comment: This variant is classified as likely benign based on ACMG/AMP sequence variant interpretation guidelines (Richards et al. 2015 PMID: 25741868, with internal and published modifications).

NM_005996.4(TBX3):c.762C>T (p.Pro254=)

Gene: TBX3 (T-box transcription factor 3; minus strand). Cytogenetic location: 12q24.21.
Variant type: single nucleotide variant.
Coding change: c.762C>T on transcript NM_005996.4 (MANE Select); coding-DNA position 762, C replaced by T.
Protein change: p.Pro254=; no amino-acid change (proline 254 retained).
Molecular consequence: synonymous variant.
Genome position (GRCh38, 1-based): chr12:114,679,547, G>A on the plus strand (C>T on the coding strand, the complement: TBX3 is on the minus strand). VCF-style: chr12-114679547-G-A. GRCh37 (hg19) VCF-style: chr12-115117352-G-A.
Other names: c.822C>T (NM_016569.3); c.822C>T, p.Pro274= (NM_016569.4).
Identifiers: ClinVar variation 2053169 (VCV002053169.6), dbSNP rs201747792, ClinGen allele CA6810098.